The following is an entry in ClinVar:

ClinVar aggregate classification (germline): Conflicting classifications of pathogenicity. Review status: criteria provided, conflicting classifications (1 of 4 stars). 2 submissions from 2 submitters: Uncertain significance (1); Benign (1). Last evaluated 2025-10-03.

Conditions:
Ovarian cancer. Also called: OVARIAN CANCER, SOMATIC. Identifiers: Orphanet 213500, MedGen C1140680, MONDO:0008170, OMIM 167000.
Baller-Gerold syndrome (BGS). Also called: CRANIOSYNOSTOSIS WITH RADIAL DEFECTS. Identifiers: Orphanet 1225, MedGen C0265308, MONDO:0009039, OMIM 218600.

Allele frequency attached by ClinVar (database versions not stated): gnomAD exomes below 0.00001 and 0.00001; ExAC 0.00001; gnomAD 0.00001 and 0.00002; TOPMed 0.00002; 1000 Genomes Project 30x 0.00016; 1000 Genomes Project 0.00020.

Submissions (2):

Labcorp Genetics (formerly Invitae), Labcorp
Classification: Uncertain significance for Baller-Gerold syndrome. Last evaluated: 2025-10-03. Review status: criteria provided, single submitter. Criteria: Invitae Variant Classification Sherloc (09022015). Collection method: clinical testing. Allele origin: germline.
Comment: This sequence change replaces histidine, which is basic and polar, with tyrosine, which is neutral and polar, at codon 944 of the RECQL4 protein (p.His944Tyr). This variant is present in population databases (rs527454830, gnomAD 0.02%). This variant has not been reported in the literature in individuals affected with RECQL4-related conditions. ClinVar contains an entry for this variant (Variation ID: 1046541). Invitae Evidence Modeling of protein sequence and biophysical properties (such as structural, functional, and spatial information, amino acid conservation, physicochemical variation, residue mobility, and thermodynamic stability) indicates that this missense variant is not expected to disrupt RECQL4 protein function with a negative predictive value of 80%. In summary, the available evidence is currently insufficient to determine the role of this variant in disease. Therefore, it has been classified as a Variant of Uncertain Significance.

Laboratory of Molecular Epidemiology of Birth Defects, West China Second University Hospital, Sichuan University
Classification: Benign for Ovarian cancer. Last evaluated: 2022-01-01. Review status: criteria provided, single submitter. Criteria: ACMG Guidelines, 2015. Collection method: clinical testing. Allele origin: germline. Affected: yes.

NM_004260.4(RECQL4):c.2830C>T (p.His944Tyr)

Gene: RECQL4 (RecQ like helicase 4; minus strand). Cytogenetic location: 8q24.3.
Variant type: single nucleotide variant.
Coding change: c.2830C>T on transcript NM_004260.4 (MANE Select); coding-DNA position 2830, C replaced by T.
Protein change: p.His944Tyr; replaces histidine 944 with tyrosine.
Molecular consequence: missense variant.
Genome position (GRCh38, 1-based): chr8:144,512,697, G>A on the plus strand (C>T on the coding strand, the complement: RECQL4 is on the minus strand). VCF-style: chr8-144512697-G-A. GRCh37 (hg19) VCF-style: chr8-145738080-G-A.
Other names: c.2830C>T (NM_004260.3); short protein forms H944Y.
Identifiers: ClinVar variation 1046541 (VCV001046541.5), dbSNP rs527454830, ClinGen allele CA4948062.